The following is an entry in ClinVar:

NM_000548.5(TSC2):c.2098-3C>G

Gene: TSC2 (TSC complex subunit 2; plus strand). Cytogenetic location: 16p13.3.
Variant type: single nucleotide variant.
Coding change: c.2098-3C>G on transcript NM_000548.5 (MANE Select); 3 bases into the intron before coding-DNA position 2098, C replaced by G.
Molecular consequence: intron variant. On other transcripts: non-coding transcript variant (2).
Genome position (GRCh38, 1-based): chr16:2,072,238, C>G. VCF-style: chr16-2072238-C-G. GRCh37 (hg19) VCF-style: chr16-2122239-C-G.
Other names: c.754-3C>G (NM_001406693.1, NM_001406689.1, NM_001406690.1 and 6 more transcripts); c.2188-3C>G (NM_001406667.1, NM_001406668.1); c.1498-3C>G (NM_001406680.1, NM_001406683.1, NM_001406687.1 and 6 more transcripts); c.496-3C>G (NM_001406698.1); c.2098-3C>G (NM_001114382.3, NM_001406663.1, NM_001406664.1 and 6 more transcripts); c.2086-3C>G (NM_001406671.1, NM_001406673.1); c.1636-3C>G (NM_001406681.1); c.1987-3C>G (NM_001406670.1, NM_001318827.2, NM_001406678.1); and 3 more.
Identifiers: ClinVar variation 2861943 (VCV002861943.3), dbSNP rs876660489, ClinGen allele CA2739269905.

ClinVar aggregate classification (germline): Uncertain significance (1 of 4 stars; one submission).

Conditions:
Tuberous sclerosis 2 (TSC2). Identifiers: Orphanet 805, MedGen C1860707, MONDO:0013199, OMIM 613254.

Submission:

Labcorp Genetics (formerly Invitae), Labcorp
Classification: Uncertain significance for Tuberous sclerosis 2. Last evaluated: 2024-02-02. Review status: criteria provided, single submitter. Criteria: Invitae Variant Classification Sherloc (09022015). Collection method: clinical testing. Allele origin: germline.
Comment: This sequence change falls in intron 19 of the TSC2 gene. It does not directly change the encoded amino acid sequence of the TSC2 protein. It affects a nucleotide within the consensus splice site. This variant is not present in population databases (gnomAD no frequency). This variant has not been reported in the literature in individuals affected with TSC2-related conditions. Variants that disrupt the consensus splice site are a relatively common cause of aberrant splicing (PMID: 17576681, 9536098). Algorithms developed to predict the effect of sequence changes on RNA splicing suggest that this variant may disrupt the consensus splice site. In summary, the available evidence is currently insufficient to determine the role of this variant in disease. Therefore, it has been classified as a Variant of Uncertain Significance.

Literature cited by the submitters: PubMed 17576681; PubMed 9536098.